The following is an entry in ClinVar:

ClinVar aggregate classification (germline): Likely benign. Review status: criteria provided, multiple submitters, no conflicts (2 of 4 stars). 2 submissions from 2 submitters: Likely benign (2). Last evaluated 2025-03-29.

Allele frequency attached by ClinVar (database versions not stated): gnomAD exomes below 0.00001; ExAC 0.00001.
gnomAD v4.1: 3 of 1,609,820 alleles (0.00019%); highest among the groups gnomAD compares: Non-Finnish European, 0.00025%; no homozygotes.

Submissions (2):

Labcorp Genetics (formerly Invitae), Labcorp
Classification: Likely benign. Last evaluated: 2025-03-29. Review status: criteria provided, single submitter. Criteria: Invitae Variant Classification Sherloc (09022015). Collection method: clinical testing. Allele origin: germline.

GeneDx
Classification: Likely benign. Last evaluated: 2017-11-17. Review status: criteria provided, single submitter. Criteria: GeneDx Variant Classification (06012015). Collection method: clinical testing. Allele origin: germline. Affected: yes.
Comment: This variant is considered likely benign or benign based on one or more of the following criteria: it is a conservative change, it occurs at a poorly conserved position in the protein, it is predicted to be benign by multiple in silico algorithms, and/or has population frequency not consistent with disease.

NM_003742.4(ABCB11):c.151-9T>C

Gene: ABCB11 (ATP binding cassette subfamily B member 11; minus strand). Cytogenetic location: 2q31.1.
Variant type: single nucleotide variant.
Coding change: c.151-9T>C on transcript NM_003742.4 (MANE Select); 9 bases into the intron before coding-DNA position 151, T replaced by C.
Molecular consequence: intron variant.
Genome position (GRCh38, 1-based): chr2:169,013,519, A>G on the plus strand (T>C on the coding strand, the complement: ABCB11 is on the minus strand). VCF-style: chr2-169013519-A-G. GRCh37 (hg19) VCF-style: chr2-169870029-A-G.
Other names: c.151-9T>C (LRG_1199t1).
Identifiers: ClinVar variation 513243 (VCV000513243.8), dbSNP rs765860589, ClinGen allele CA1951953.